The following is an entry in ClinVar:

NM_007294.4(BRCA1):c.3994G>C (p.Gly1332Arg)

Genes: BRCA1 (BRCA1 DNA repair associated; minus strand), LOC126862571 (BRD4-independent group 4 enhancer GRCh37_chr17:41243136-41244335; plus strand). Cytogenetic location: 17q21.31.
Variant type: single nucleotide variant.
Coding change: c.3994G>C on transcript NM_007294.4 (MANE Select); coding-DNA position 3994, G replaced by C.
Protein change: p.Gly1332Arg; replaces glycine 1332 with arginine.
Molecular consequence: missense variant. On other transcripts: intron variant (135).
Genome position (GRCh38, 1-based): chr17:43,091,537, C>G on the plus strand (G>C on the coding strand, the complement: BRCA1 is on the minus strand). VCF-style: chr17-43091537-C-G. GRCh37 (hg19) VCF-style: chr17-41243554-C-G.
Other names: c.3784G>C, p.Gly1262Arg (NM_001407879.1, NM_001407881.1, NM_001407882.1 and 13 more transcripts); c.3730G>C, p.Gly1244Arg (NM_001407920.1, NM_001407921.1, NM_001407922.1 and 9 more transcripts); c.3781G>C, p.Gly1261Arg (NM_001407894.1, NM_001407895.1, NM_001407896.1 and 9 more transcripts); c.3871G>C, p.Gly1291Arg (NM_001407919.1, NM_001407648.1, NM_001407664.1 and 19 more transcripts); c.3994G>C, p.Gly1332Arg (NM_001407581.1, NM_001407582.1, NM_001407583.1 and 30 more transcripts); c.3991G>C, p.Gly1331Arg (NM_001407587.1, NM_001407590.1, NM_001407591.1 and 22 more transcripts); c.3985G>C, p.Gly1329Arg (NM_001407646.1, NM_001407647.1); c.3868G>C, p.Gly1290Arg (NM_001407649.1, NM_001407670.1, NM_001407671.1 and 11 more transcripts); and 41 more; short protein forms G1285R, G1332R, G1164R, G1244R, G1290R, G1291R, G1204R, G1284R.
Identifiers: ClinVar variation 950471 (VCV000950471.13), dbSNP rs2053488210, ClinGen allele CA10593973.

ClinVar aggregate classification (germline): Conflicting classifications of pathogenicity. Review status: criteria provided, conflicting classifications (1 of 4 stars). 2 submissions from 2 submitters: Uncertain significance (1); Likely benign (1). Last evaluated 2024-10-16.

Conditions:
Hereditary cancer-predisposing syndrome. Also called: Tumor predisposition; Hereditary neoplastic syndrome; Neoplastic Syndromes, Hereditary; Hereditary Cancer Syndrome. Identifiers: Orphanet 140162, MedGen C0027672, MeSH D009386, MONDO:0015356.
Hereditary breast ovarian cancer syndrome. Also called: Hereditary breast and ovarian cancer; Hereditary breast and/or ovarian cancer syndrome; Hereditary breast and ovarian cancer syndrome; Hereditary breast and ovarian cancer syndrome (HBOC); BRCA1- and BRCA2-Associated Hereditary Breast and Ovarian Cancer; Breast and ovarian cancer. Identifiers: Orphanet 145, MedGen C0677776, MeSH D061325, MONDO:0003582. Disease mechanism: loss of function.

Submissions (2):

Labcorp Genetics (formerly Invitae), Labcorp
Classification: Uncertain significance for Hereditary breast ovarian cancer syndrome. Last evaluated: 2024-10-16. Review status: criteria provided, single submitter. Criteria: Invitae Variant Classification Sherloc (09022015). Collection method: clinical testing. Allele origin: germline.
Comment: This sequence change replaces glycine, which is neutral and non-polar, with arginine, which is basic and polar, at codon 1332 of the BRCA1 protein (p.Gly1332Arg). This variant is not present in population databases (gnomAD no frequency). This variant has not been reported in the literature in individuals affected with BRCA1-related conditions. ClinVar contains an entry for this variant (Variation ID: 950471). Invitae Evidence Modeling of protein sequence and biophysical properties (such as structural, functional, and spatial information, amino acid conservation, physicochemical variation, residue mobility, and thermodynamic stability) indicates that this missense variant is not expected to disrupt BRCA1 protein function with a negative predictive value of 80%. In summary, the available evidence is currently insufficient to determine the role of this variant in disease. Therefore, it has been classified as a Variant of Uncertain Significance.

University of Washington Department of Laboratory Medicine, University of Washington
Classification: Likely benign for Hereditary cancer-predisposing syndrome. Last evaluated: 2023-03-23. Review status: criteria provided, single submitter. Criteria: Dines et al. (Genet Med. 2020). Collection method: curation. Allele origin: germline.
Comment: Missense variant in a coldspot region where missense variants are very unlikely to be pathogenic (PMID:31911673).

BRCA1 coldspot (exon 11 using historical exon numbering). Reclassification based on statistical prior probability